The following is an entry in ClinVar:

NM_133433.4(NIPBL):c.458+2T>G

Gene: NIPBL (NIPBL cohesin loading factor; plus strand). Cytogenetic location: 5p13.2.
Variant type: single nucleotide variant.
Coding change: c.458+2T>G on transcript NM_133433.4 (MANE Select); the canonical splice donor site of the intron after coding-DNA position 458, T replaced by G.
Molecular consequence: splice donor variant.
Genome position (GRCh38, 1-based): chr5:36,961,585, T>G. VCF-style: chr5-36961585-T-G. GRCh37 (hg19) VCF-style: chr5-36961687-T-G.
Other names: c.458+2T>G (NM_015384.5).
Identifiers: ClinVar variation 3632876 (VCV003632876.2).
Genomic context (GRCh38, chr5:36,961,585, plus strand): 5'-CACAGTAGTCCTGCATCTTCCAATTATCAACAAACCACTATCTCACATAGCCCCTCCAGG[T>G]AATATATGTATATATCGTTTATTAAATATTGTCTTGTATGGTGAATATGCTGGTGAATAT-3'

ClinVar aggregate classification (germline): Pathogenic (1 of 4 stars; one submission).

Conditions:
Cornelia de Lange syndrome 1 (CDLS1). Also called: Brachmann de Lange syndrome; NIPBL-Related Cornelia de Lange Syndrome; TYPUS DEGENERATIVUS AMSTELODAMENSIS. Identifiers: Orphanet 199, MedGen C4551851, MONDO:0007387, OMIM 122470.

Submission:

Labcorp Genetics (formerly Invitae), Labcorp
Classification: Pathogenic for Cornelia de Lange syndrome 1. Last evaluated: 2024-04-09. Review status: criteria provided, single submitter. Criteria: Invitae Variant Classification Sherloc (09022015). Collection method: clinical testing. Allele origin: germline.
Comment: This sequence change affects a donor splice site in intron 5 of the NIPBL gene. It is expected to disrupt RNA splicing. Variants that disrupt the donor or acceptor splice site typically lead to a loss of protein function (PMID: 16199547), and loss-of-function variants in NIPBL are known to be pathogenic (PMID: 15318302, 19763162, 23505322, 29995837). This variant is not present in population databases (gnomAD no frequency). Disruption of this splice site has been observed in individual(s) with NIPBL-related conditions (Invitae). Algorithms developed to predict the effect of sequence changes on RNA splicing suggest that this variant may disrupt the consensus splice site. For these reasons, this variant has been classified as Pathogenic.

Literature cited by the submitters: PubMed 16199547; PubMed 15318302; PubMed 19763162; PubMed 23505322; PubMed 29995837.